The following is an entry in ClinVar:

NM_004999.4(MYO6):c.2430A>G (p.Ile810Met)

Gene: MYO6 (myosin VI; plus strand). Cytogenetic location: 6q14.1.
Variant type: single nucleotide variant.
Coding change: c.2430A>G on transcript NM_004999.4 (MANE Select); coding-DNA position 2430, A replaced by G.
Protein change: p.Ile810Met; replaces isoleucine 810 with methionine.
Molecular consequence: missense variant. On other transcripts: non-coding transcript variant (1).
Genome position (GRCh38, 1-based): chr6:75,886,017, A>G. VCF-style: chr6-75886017-A-G. GRCh37 (hg19) VCF-style: chr6-76595734-A-G.
Other names: c.2430A>G, p.Ile810Met (NM_001300899.2, NM_001368136.1, NM_001368137.1 and 2 more transcripts); c.2415A>G, p.Ile805Met (NM_001368138.1); short protein forms I805M, I810M.
Identifiers: ClinVar variation 1481069 (VCV001481069.8), dbSNP rs1354902174, ClinGen allele CA364774767.
Genomic context (GRCh38, chr6:75,886,017, plus strand): 5'-TTTAAACTGAATAATTTTCTATCATTTTATTTTACTCTTACACATAGTGAAAAACAAAAT[A>G]AAATATCGAGCTGAAGCCTGCATTAAAATGCAAAAAACTATTCGAATGTGGCTTTGCAAG-3'
Protein context (NP_004990.3, residues 800-820): SLSVIKLKNK[Ile810Met]KYRAEACIKM

ClinVar aggregate classification (germline): Uncertain significance (1 of 4 stars; one submission).

Allele frequency attached by ClinVar (database versions not stated): TOPMed below 0.00001.

Submission:

Labcorp Genetics (formerly Invitae), Labcorp
Classification: Uncertain significance. Last evaluated: 2023-04-24. Review status: criteria provided, single submitter. Criteria: Invitae Variant Classification Sherloc (09022015). Collection method: clinical testing. Allele origin: germline.
Comment: In summary, the available evidence is currently insufficient to determine the role of this variant in disease. Therefore, it has been classified as a Variant of Uncertain Significance. Advanced modeling of protein sequence and biophysical properties (such as structural, functional, and spatial information, amino acid conservation, physicochemical variation, residue mobility, and thermodynamic stability) performed at Invitae indicates that this missense variant is not expected to disrupt MYO6 protein function. ClinVar contains an entry for this variant (Variation ID: 1481069). This variant has not been reported in the literature in individuals affected with MYO6-related conditions. This variant is not present in population databases (gnomAD no frequency). This sequence change replaces isoleucine, which is neutral and non-polar, with methionine, which is neutral and non-polar, at codon 810 of the MYO6 protein (p.Ile810Met).